The following is an entry in ClinVar:

ClinVar aggregate classification (germline): Likely pathogenic (1 of 4 stars; one submission).

Conditions:
Glycogen storage disease type III (GSD3). Also called: Cori disease; FORBES DISEASE. Identifiers: Orphanet 366, MedGen C0017922, MONDO:0009291, OMIM 232400.

Submission:

Juno Genomics, Hangzhou Juno Genomics, Inc
Classification: Likely pathogenic for Glycogen storage disease type III. Review status: criteria provided, single submitter. Criteria: ACMG Guidelines, 2015. Collection method: clinical testing. Allele origin: germline.
Comment: Null variant in a gene where loss of function (LOF) is a known mechanism of disease.;Absent from controls (or at extremely low frequency if recessive) in Genome Aggregation Database.

NM_000642.3(AGL):c.3248del (p.Ser1083fs)

Gene: AGL (amylo-alpha-1,6-glucosidase and 4-alpha-glucanotransferase; plus strand). Cytogenetic location: 1p21.2.
Variant type: Deletion.
Coding change: c.3248del on transcript NM_000642.3 (MANE Select); coding-DNA position 3248, one base deleted (C; older notation c.3248delC).
Protein change: p.Ser1083fs; shifts the reading frame from serine 1083.
Molecular consequence: frameshift variant.
Genome position (GRCh38, 1-based): chr1:99,892,596, C deleted. VCF-style (leftmost placement, unchanged base first): chr1-99892595-TC-T. GRCh37 (hg19) VCF-style: chr1-100358151-TC-T.
Other names: c.3248del, p.Ser1083fs (NM_000028.3, NM_000643.3, NM_000644.3 and 1 more transcripts); c.3200del, p.Ser1067fs (NM_000646.3); c.3227del, p.Ser1076fs (NM_001425326.1); c.3047del, p.Ser1016fs (NM_001425327.1); c.3044del, p.Ser1015fs (NM_001425328.1); c.2909del, p.Ser970fs (NM_001425329.1); c.2870del, p.Ser957fs (NM_001425332.1); short protein forms S1016fs, S1067fs, S1076fs, S1083fs, S1015fs, S957fs, S970fs.
Identifiers: ClinVar variation 5007416 (VCV005007416.2).